The following is an entry in ClinVar:

ClinVar aggregate classification (germline): Uncertain significance (1 of 4 stars; one submission).

Conditions:
Hereditary cancer-predisposing syndrome. Also called: Tumor predisposition; Hereditary neoplastic syndrome; Hereditary Cancer Syndrome; Neoplastic Syndromes, Hereditary. Identifiers: Orphanet 140162, MedGen C0027672, MeSH D009386, MONDO:0015356.

Submission:

Ambry Genetics
Classification: Uncertain significance for Hereditary cancer-predisposing syndrome. Last evaluated: 2025-04-21. Review status: criteria provided, single submitter. Criteria: Ambry Variant Classification Scheme 2023. Collection method: clinical testing. Allele origin: germline.
Comment: The c.2565-5T>A intronic variant results from a T to A substitution 5 nucleotides upstream from coding exon 20 in the POLD1 gene. This nucleotide position is poorly conserved in available vertebrate species. In silico splice site analysis predicts that this alteration will not have any significant effect on splicing. Based on the available evidence, the clinical significance of this variant remains unclear.

NM_002691.4(POLD1):c.2565-5T>A

Gene: POLD1 (DNA polymerase delta 1, catalytic subunit; plus strand). Cytogenetic location: 19q13.33.
Variant type: single nucleotide variant.
Coding change: c.2565-5T>A on transcript NM_002691.4 (MANE Select); 5 bases into the intron before coding-DNA position 2565, T replaced by A.
Molecular consequence: intron variant.
Genome position (GRCh38, 1-based): chr19:50,415,433, T>A. VCF-style: chr19-50415433-T-A. GRCh37 (hg19) VCF-style: chr19-50918690-T-A.
Other names: c.2565-5T>A (NM_001256849.1); c.2643-5T>A (NM_001308632.1).
Identifiers: ClinVar variation 3935551 (VCV003935551.1).
Genomic context (GRCh38, chr19:50,415,433, plus strand): 5'-CCGTGGAGGCACCAGCCTGGCCCTCAGTGCCTTTTGGTGACGCTGTGCGGCCCGCTCTCC[T>A]ACAGAGACCCTGAGGGCGCGGTGGCTCACGCACAGGACGTCATCTCGGACCTGCTGTGCA-3'